The following is an entry in ClinVar:

ClinVar aggregate classification (germline): Pathogenic/Likely pathogenic. Review status: criteria provided, multiple submitters, no conflicts (2 of 4 stars). 11 submissions from 11 submitters: Pathogenic (2); Likely pathogenic (6). 3 of the submissions do not count toward it. Last evaluated 2025-10-12.

Conditions:
POMGNT1-related disorder. Also called: POMGNT1-related disorders; POMGNT1-related condition. Identifiers: MedGen CN239299.
Muscular dystrophy-dystroglycanopathy (congenital with brain and eye anomalies), type A3. Also called: WALKER-WARBURG SYNDROME OR MUSCLE-EYE-BRAIN DISEASE, POMGNT1-RELATED; Muscular dystrophy-dystroglycanopathy (congenital with brain and eye anomalies), type A, 3; Congenital muscular dystrophy-dystroglycanopathy with brain and eye anomalies, type A3. Identifiers: MedGen C3151519, MONDO:0009667, OMIM 253280.
Muscular dystrophy-dystroglycanopathy (congenital with impaired intellectual development), type B, 3. Also called: MUSCULAR DYSTROPHY, CONGENITAL, POMGNT1-RELATED; Muscular dystrophy-dystroglycanopathy (congenital with intellectual disability), type B3. Identifiers: MedGen C3150412, MONDO:0013155, OMIM 613151.
Retinitis pigmentosa 76 (RP76). Identifiers: MedGen C4310704, MONDO:0014929, OMIM 617123.
Autosomal recessive limb-girdle muscular dystrophy type 2O. Also called: Limb-Girdle Muscular Dystrophy Type 3C; MUSCULAR DYSTROPHY-DYSTROGLYCANOPATHY, LIMB-GIRDLE, POMGNT1-RELATED; MUSCULAR DYSTROPHY-DYSTROGLYCANOPATHY (LIMB-GIRDLE), TYPE C, 3. Identifiers: Orphanet 206564, MedGen C3150417, MONDO:0013161, OMIM 613157.
Autosomal recessive limb-girdle muscular dystrophy. Identifiers: Orphanet 102015, MedGen C2931907, MONDO:0015152.
Muscular dystrophy-dystroglycanopathy. Also called: Congenital muscular dystrophy due to dystroglycanopathy. Identifiers: Orphanet 370953, MedGen C5679911, MONDO:0018276.
Muscle eye brain disease (MEB). Also called: Santavuori congenital muscular dystrophy. Identifiers: Orphanet 588, Orphanet 899, MedGen C0457133, MONDO:0018939.

Allele frequency attached by ClinVar (database versions not stated): gnomAD 0.00003 and 0.00004; TOPMed 0.00002.
gnomAD v4.1: 68 of 1,613,964 alleles (0.0042%); highest among the groups gnomAD compares: Non-Finnish European, 0.0051%; no homozygotes.

Submissions 1 to 7 of 11:

Natera, Inc.
Classification: Likely pathogenic for Muscle-eye-brain disease. Last evaluated: 2025-10-12. Review status: criteria provided, single submitter. Criteria: Natera Variant Classification Schema (03/2026). Collection method: clinical testing. Allele origin: germline.
Comment: The c.932G>A variant in POMGNT1 is a missense variant predicted to cause substitution of arginine to glutamine at amino acid 311. This variant is rare in the general population with a frequency below the threshold expected for the associated phenotype(s). This variant has been observed in one or more individuals affected with the associated recessive disease, as either homozygous or compound heterozygous with a second variant (PMID: 30258371, 17030669, 15236414). Additionally, this variant has been observed to segregate in affected family members (PMID: 15236414). Functional studies show that this variant may disrupt protein function (PMID: 21361872). Computational prediction algorithms indicate this variant is likely to affect gene or protein function. Given the available evidence, this variant is classified as Likely Pathogenic.

GeneDx
Classification: Pathogenic. Last evaluated: 2025-02-26. Review status: criteria provided, single submitter. Criteria: GeneDx Variant Classification Process June 2021. Collection method: clinical testing. Allele origin: germline. Affected: yes.
Comment: Published functional studies demonstrate an absence of catalytic activity of the resultant protein (PMID: 21361872); In silico analysis supports that this missense variant has a deleterious effect on protein structure/function; Not observed at significant frequency in large population cohorts (gnomAD); This variant is associated with the following publications: (PMID: 17906881, 30258371, 17559086, 22323514, 20215985, 15236414, 16427280, 24282183, 27493216, 22522420, 17030669, 19299310, 21361872, 31964843, 33144682)

Revvity Omics, Revvity
Classification: Pathogenic. Last evaluated: 2025-02-05. Review status: criteria provided, single submitter. Criteria: ACMG Guidelines, 2015. Collection method: clinical testing. Allele origin: germline.

Labcorp Genetics (formerly Invitae), Labcorp
Classification: Likely pathogenic for Autosomal recessive limb-girdle muscular dystrophy type 2O; Muscular dystrophy-dystroglycanopathy (congenital with impaired intellectual development), type B, 3. Last evaluated: 2024-11-18. Review status: criteria provided, single submitter. Criteria: Invitae Variant Classification Sherloc (09022015). Collection method: clinical testing. Allele origin: germline.
Comment: This sequence change replaces arginine, which is basic and polar, with glutamine, which is neutral and polar, at codon 311 of the POMGNT1 protein (p.Arg311Gln). This variant is present in population databases (rs193919336, gnomAD 0.003%). This missense change has been observed in individual(s) with POMGNT1-related disease (PMID: 15236414, 17030669, 21361872, 22323514). ClinVar contains an entry for this variant (Variation ID: 3993). Invitae Evidence Modeling of protein sequence and biophysical properties (such as structural, functional, and spatial information, amino acid conservation, physicochemical variation, residue mobility, and thermodynamic stability) indicates that this missense variant is expected to disrupt POMGNT1 protein function with a positive predictive value of 95%. Experimental studies have shown that this missense change affects POMGNT1 function (PMID: 21361872). In summary, the currently available evidence indicates that the variant is pathogenic, but additional data are needed to prove that conclusively. Therefore, this variant has been classified as Likely Pathogenic.

Baylor Genetics
Classification: Likely pathogenic for Muscular dystrophy-dystroglycanopathy (congenital with brain and eye anomalies), type A3. Last evaluated: 2024-01-16. Review status: criteria provided, single submitter. Criteria: ACMG Guidelines, 2015. Collection method: clinical testing. Allele origin: unknown.

Broad Center for Mendelian Genomics, Broad Institute of MIT and Harvard
Classification: Likely pathogenic for Muscular dystrophy-dystroglycanopathy. Last evaluated: 2023-01-24. Review status: criteria provided, single submitter. Criteria: ACMG Guidelines, 2015. Collection method: curation. Allele origin: germline. Inheritance: Autosomal recessive inheritance.
Comment: The p.Arg311Gln variant has been identified in four individuals with POMGNT1-associated muscular dystrophy-dystroglycanopathy (PMID: 19299310, 20215985, 17559086, 17030669, 15236414), and has been identified in 0.003% (4/129116) of European (non-Finnish) chromosomes by the Genome Aggregation Database (gnomAD; dbSNP ID: rs193919336). Although this variant has been seen in the general population in a heterozygous state, its frequency is low enough to be consistent with a recessive carrier frequency. This variant has also been reported in ClinVar (Variation ID#3993) and has been interpreted as pathogenic by OMIM and GeneDx, probable-pathogenic by the Juha Muilu Group (Institute for Molecular Medicine Finland (FIMM)), and likely pathogenic by Counsyl and Invitae. Of these four affected individuals, two were compound heterozygotes that carried reported pathogenic/likely pathogenic variants in trans, which increases the likelihood that the p.Arg311Gln variant is pathogenic (PMID: 15236414, 17559086; ClinVarID: 56582, 3992). In vitro functional studies provide some evidence that the p.Arg311Gln variant may impact protein function (PMID: 21361872). However, these types of assays may not accurately represent biological function. Computational prediction tools and conservation analyses suggest that this variant may impact the protein, though this information is not predictive enough to determine pathogenicity. In summary, although additional studies are required to fully establish its clinical significance, this variant is likely pathogenic for POMGNT1-associated muscular dystrophy-dystroglycanopathy. ACMG/AMP Criteria applied: PM3_Strong, PM2_supporting, PS3_Supporting, PP3 (Richards 2015).

Women's Health and Genetics/Laboratory Corporation of America, LabCorp
Classification: Likely pathogenic for Autosomal recessive limb-girdle muscular dystrophy. Last evaluated: 2022-12-20. Review status: criteria provided, single submitter. Criteria: LabCorp Variant Classification Summary - May 2015. Collection method: clinical testing. Allele origin: germline.
Comment: Variant summary: POMGNT1 c.932G>A (p.Arg311Gln) results in a conservative amino acid change located in the Glycosyl transferase, family 13 domain (IPR004139) of the encoded protein sequence. Four of five in-silico tools predict a damaging effect of the variant on protein function. The variant allele was found at a frequency of 1.6e-05 in 251316 control chromosomes. c.932G>A has been reported in the literature as a maternally inherited complex allele in cis with c.794G>A (p.Arg265His) (a variant conflicting interpretations of pathogenicity in ClinVar database) in an individual with features of Muscle-eye-brain disease (MEB) who harbored a paternally inherited variant c.1324C>T (p.Arg442Cys) in trans (example, Vervoort_2004). This complex allele has also been reported in compound heterozygosity with other POMGNT1 variants in individuals with features of POMGNT1-related disorders (example, Devisme_2012, Voglmeir_2011). Lastly, this variant has also been reported in homozygosity (complex allele not specified) in an individual with muscle and brain abnormalities without eye involvement (example, Biancheri_2006). These data indicate that the variant is very likely to be associated with disease. At least one publication reports variant specific experimental evidence evaluating an impact on protein function, however, does not allow convincing conclusions about the variant effect as the primary data supporting the reported loss of activity are not ascertainable as presented (example, Vooglmeir_2011). Three clinical diagnostic laboratories have submitted clinical-significance assessments for this variant to ClinVar after 2014 without evidence for independent evaluation. All laboratories classified the variant as pathogenic/likely pathogenic. Based on the evidence outlined above, the variant was classified as likely pathogenic.

NM_017739.4(POMGNT1):c.932G>A (p.Arg311Gln)

Genes: POMGNT1 (protein O-linked mannose N-acetylglucosaminyltransferase 1 (beta 1,2-); minus strand), TSPAN1 (tetraspanin 1; plus strand). Cytogenetic location: 1p34.1.
Variant type: single nucleotide variant.
Coding change: c.932G>A on transcript NM_017739.4 (MANE Select); coding-DNA position 932, G replaced by A.
Protein change: p.Arg311Gln; replaces arginine 311 with glutamine.
Molecular consequence: missense variant.
Genome position (GRCh38, 1-based): chr1:46,193,873, C>T on the plus strand (G>A on the coding strand, the complement: POMGNT1 is on the minus strand). VCF-style: chr1-46193873-C-T. GRCh37 (hg19) VCF-style: chr1-46659545-C-T.
Other names: NM_017739.4(POMGNT1):c.932G>A; c.932G>A, p.Arg311Gln (NM_001243766.2, NM_001410783.1); c.866G>A, p.Arg289Gln (NM_001290129.3); c.503G>A, p.Arg168Gln (NM_001290130.2); short protein forms R311Q, R168Q, R289Q.
Identifiers: ClinVar variation 3993 (VCV000003993.24), dbSNP rs193919336, ClinGen allele CA211242.